The following is an entry in ClinVar:

NM_001037763.3(COL28A1):c.819C>T (p.Asn273=)

Gene: COL28A1 (collagen type XXVIII alpha 1 chain; minus strand). Cytogenetic location: 7p21.3.
Variant type: single nucleotide variant.
Coding change: c.819C>T on transcript NM_001037763.3 (MANE Select); coding-DNA position 819, C replaced by T.
Protein change: p.Asn273=; no amino-acid change (asparagine 273 retained).
Molecular consequence: synonymous variant.
Genome position (GRCh38, 1-based): chr7:7,517,832, G>A on the plus strand (C>T on the coding strand, the complement: COL28A1 is on the minus strand). VCF-style: chr7-7517832-G-A. GRCh37 (hg19) VCF-style: chr7-7557463-G-A.
Identifiers: ClinVar variation 2657317 (VCV002657317.24), dbSNP rs189957039, ClinGen allele CA4160104.
Genomic context (GRCh38, chr7:7,517,832, plus strand): 5'-AAGGCATTCCAGTTGTGTACATACCCCTGGACCTCTTTCTCCAGCTTCTCCTTTTTGAGC[G>A]TTGCCCTGTGACAAACAAAAAACAGTAAAAATTCCACAGCCCTGAAGAGTGACTGATTGC-3'
Protein context (NP_001032852.2, residues 263-283): GERGPKGNPG[Asn273=]AQKGEAGERG

ClinVar aggregate classification (germline): Likely benign (1 of 4 stars; one submission).

Allele frequency attached by ClinVar (database versions not stated): gnomAD exomes 0.00010; ExAC 0.00012; ESP Exome Variant Server 0.00017; 1000 Genomes Project 30x 0.00031; 1000 Genomes Project 0.00040; TOPMed 0.00048; gnomAD 0.00050.
gnomAD v4.1: 237 of 1,613,612 alleles (0.015%); highest among the groups gnomAD compares: African/African-American, 0.17%; 1 homozygote.

Submission:

CeGaT Center for Human Genetics Tuebingen
Classification: Likely benign. Last evaluated: 2023-01-01. Review status: criteria provided, single submitter. Criteria: CeGaT Center For Human Genetics Tuebingen Variant Classification Criteria Version 2. Collection method: clinical testing. Allele origin: germline. Affected: yes. Observed: 1 variant allele.
Comment: COL28A1: BP4, BP7